The following is an entry in ClinVar:

NM_001371623.1(TCOF1):c.1016C>G (p.Ser339Ter)

Gene: TCOF1 (treacle ribosome biogenesis factor 1; plus strand). Cytogenetic location: 5q32.
Variant type: single nucleotide variant.
Coding change: c.1016C>G on transcript NM_001371623.1 (MANE Select); coding-DNA position 1016, C replaced by G.
Protein change: p.Ser339Ter; replaces serine 339 with a stop codon.
Molecular consequence: nonsense.
Genome position (GRCh38, 1-based): chr5:150,374,319, C>G. VCF-style: chr5-150374319-C-G. GRCh37 (hg19) VCF-style: chr5-149753882-C-G.
Other names: c.785C>G, p.Ser262Ter (NM_000356.4, NM_001135245.2); c.1016C>G, p.Ser339Ter (NM_001008657.3, NM_001135243.2, NM_001135244.2 and 1 more transcripts); short protein forms S262*, S339*.
Identifiers: ClinVar variation 2504494 (VCV002504494.3), dbSNP rs2533364391, ClinGen allele CA361742811.
Genomic context (GRCh38, chr5:150,374,319, plus strand): 5'-CCCCTGGGAAGGCAGGGGCTGTAGCCTCCCAGACCAAGGCAGGGAAGCCAGAGGAGGACT[C>G]AGAGAGCAGCAGCGAGGAGTCATCTGACAGTGAGGAGGAGACGCCAGCTGCCAAGGCCCT-3'

ClinVar aggregate classification (germline): Pathogenic/Likely pathogenic. Review status: criteria provided, multiple submitters, no conflicts (2 of 4 stars). 2 submissions from 2 submitters: Pathogenic (1); Likely pathogenic (1). Last evaluated 2024-03-17.

Conditions:
Treacher Collins syndrome 1 (TCS1). Also called: TCOF1-Related Treacher Collins Syndrome. Identifiers: Orphanet 861, MedGen CN315775, MONDO:0007944, OMIM 154500.

Submissions (2):

Genomic Medicine Center of Excellence, King Faisal Specialist Hospital and Research Centre
Classification: Pathogenic for Treacher Collins syndrome 1. Last evaluated: 2024-03-17. Review status: criteria provided, single submitter. Criteria: ACMG Guidelines, 2015. Collection method: research. Allele origin: germline.

GeneDx
Classification: Likely pathogenic. Last evaluated: 2022-11-30. Review status: criteria provided, single submitter. Criteria: GeneDx Variant Classification Process June 2021. Collection method: clinical testing. Allele origin: germline. Affected: yes.
Comment: Reported in a patient with Treacher Collins syndrome in published literature (Bowman et al., 2012); clinical information not provided; Nonsense variant predicted to result in protein truncation or nonsense mediated decay in a gene for which loss of function is a known mechanism of disease; Not observed at significant frequency in large population cohorts (gnomAD); This variant is associated with the following publications: (PMID: 22317976)